The following is an entry in ClinVar:

NM_031407.7(HUWE1):c.5716+3A>G

Gene: HUWE1 (HECT, UBA and WWE domain containing E3 ubiquitin protein ligase 1; minus strand). Cytogenetic location: Xp11.22.
Variant type: single nucleotide variant.
Coding change: c.5716+3A>G on transcript NM_031407.7 (MANE Select); 3 bases into the intron after coding-DNA position 5716, A replaced by G.
Molecular consequence: intron variant.
Genome position (GRCh38, 1-based): chrX:53,580,828, T>C on the plus strand (A>G on the coding strand, the complement: HUWE1 is on the minus strand). VCF-style: chrX-53580828-T-C. GRCh37 (hg19) VCF-style: chrX-53607788-T-C.
Identifiers: ClinVar variation 506802 (VCV000506802.1), dbSNP rs1556966693, ClinGen allele CA658799754.

ClinVar aggregate classification (germline): Likely benign (1 of 4 stars; one submission).

Submission:

GeneDx
Classification: Likely benign. Last evaluated: 2017-01-19. Review status: criteria provided, single submitter. Criteria: GeneDx Variant Classification (06012015). Collection method: clinical testing. Allele origin: germline. Affected: yes.
Comment: This variant is considered likely benign or benign based on one or more of the following criteria: it is a conservative change, it occurs at a poorly conserved position in the protein, it is predicted to be benign by multiple in silico algorithms, and/or has population frequency not consistent with disease.